The following is an entry in ClinVar:

ClinVar aggregate classification (germline): Uncertain significance (1 of 4 stars; one submission).

Submission:

CeGaT Center for Human Genetics Tuebingen
Classification: Uncertain significance. Last evaluated: 2022-12-01. Review status: criteria provided, single submitter. Criteria: CeGaT Center For Human Genetics Tuebingen Variant Classification Criteria Version 2. Collection method: clinical testing. Allele origin: germline. Affected: yes. Observed: 1 variant allele.
Comment: RDH12: PM2, BP4

NM_152443.3(RDH12):c.100A>C (p.Asn34His)

Genes: GPHN (gephyrin; plus strand), RDH12 (retinol dehydrogenase 12; plus strand). Cytogenetic location: 14q24.1.
Variant type: single nucleotide variant.
Coding change: c.100A>C on transcript NM_152443.3 (MANE Select); coding-DNA position 100, A replaced by C.
Protein change: p.Asn34His; replaces asparagine 34 with histidine.
Molecular consequence: missense variant.
Genome position (GRCh38, 1-based): chr14:67,724,504, A>C. VCF-style: chr14-67724504-A-C. GRCh37 (hg19) VCF-style: chr14-68191221-A-C.
Other names: short protein forms N34H.
Identifiers: ClinVar variation 2644335 (VCV002644335.24), dbSNP rs2503792596, ClinGen allele CA390147741.